The following is an entry in ClinVar:

NM_001184.4(ATR):c.1228G>A (p.Glu410Lys)

Gene: ATR (ATR checkpoint kinase; minus strand). Cytogenetic location: 3q23.
Variant type: single nucleotide variant.
Coding change: c.1228G>A on transcript NM_001184.4 (MANE Select); coding-DNA position 1228, G replaced by A.
Protein change: p.Glu410Lys; replaces glutamic acid 410 with lysine.
Molecular consequence: missense variant.
Genome position (GRCh38, 1-based): chr3:142,561,364, C>T on the plus strand (G>A on the coding strand, the complement: ATR is on the minus strand). VCF-style: chr3-142561364-C-T. GRCh37 (hg19) VCF-style: chr3-142280206-C-T.
Other names: c.1228G>A, p.Glu410Lys (NM_001354579.2); short protein forms E410K.
Identifiers: ClinVar variation 1754872 (VCV001754872.3), dbSNP rs748634899, ClinGen allele CA2650645.

ClinVar aggregate classification (germline): Uncertain significance (1 of 4 stars; one submission).

Conditions:
Inborn genetic diseases. Identifiers: MedGen C0950123, MeSH D030342.

Allele frequency attached by ClinVar (database versions not stated): gnomAD exomes below 0.00001; ExAC 0.00001.
gnomAD v4.1: 2 of 1,614,032 alleles (0.00012%); highest among the groups gnomAD compares: Non-Finnish European, 0.00017%; no homozygotes.

Submission:

Ambry Genetics
Classification: Uncertain significance for Inborn genetic diseases. Last evaluated: 2024-09-15. Review status: criteria provided, single submitter. Criteria: Ambry Variant Classification Scheme 2023. Collection method: clinical testing. Allele origin: germline.
Comment: The p.E410K variant (also known as c.1228G>A), located in coding exon 5 of the ATR gene, results from a G to A substitution at nucleotide position 1228. The glutamic acid at codon 410 is replaced by lysine, an amino acid with similar properties. This amino acid position is conserved. In addition, this alteration is predicted to be tolerated by in silico analysis. Since supporting evidence is limited at this time, the clinical significance of this alteration remains unclear.